The following is an entry in ClinVar:

ClinVar aggregate classification (germline): Likely benign (1 of 4 stars; one submission).

Conditions:
Tuberous sclerosis 2 (TSC2). Identifiers: Orphanet 805, MedGen C1860707, MONDO:0013199, OMIM 613254.

Submission:

Myriad Genetics, Inc.
Classification: Likely benign for Tuberous sclerosis 2. Last evaluated: 2025-05-08. Review status: criteria provided, single submitter. Criteria: Myriad Autosomal Dominant, Autosomal Recessive and X-Linked Classification Criteria (2023). Collection method: clinical testing. Allele origin: unknown.
Comment: This variant is considered likely benign. This variant is intronic and is not expected to impact mRNA splicing.

NM_000548.5(TSC2):c.600-17_600-14dup

Gene: TSC2 (TSC complex subunit 2; plus strand). Cytogenetic location: 16p13.3.
Variant type: Duplication.
Coding change: c.600-17_600-14dup on transcript NM_000548.5 (MANE Select); 17 bases into the intron before coding-DNA position 600 through 14 bases into the intron before coding-DNA position 600, 4 bases duplicated (CTCG; older notation c.600-17_600-14dupCTCG).
Molecular consequence: intron variant. On other transcripts: 5 prime UTR variant (4).
Genome position (GRCh38, 1-based): chr16:2,056,179-2,056,182, CTCG duplicated; duplicating any 4 consecutive bases within chr16:2,056,178-2,056,182 gives the same sequence; the c. name uses the placement nearest the transcript's 3' end. VCF-style (leftmost placement, unchanged base first): chr16-2056177-A-AGCTC. GRCh37 (hg19) VCF-style: chr16-2106178-A-AGCTC.
Other names: c.-18_-15dup (NM_001406680.1, NM_001406683.1, NM_001406687.1); c.-849_-846dup (NM_001406693.1); c.690-17_690-14dup (NM_001406667.1, NM_001406668.1); c.-832-17_-832-14dup (NM_001406689.1, NM_001406690.1, NM_001406692.1 and 2 more transcripts); c.-1008-17_-1008-14dup (NM_001406698.1); c.600-17_600-14dup (NM_001114382.3, NM_001406663.1, NM_001406664.1 and 8 more transcripts); c.-713-17_-713-14dup (NM_001406694.1, NM_001406695.1); c.-820-17_-820-14dup (NM_001406696.1); and 6 more.
Identifiers: ClinVar variation 4071356 (VCV004071356.1).
Genomic context (GRCh38, chr16:2,056,177, plus strand): 5'-TAGAGTGACTAGACCACAGCCCGTGGTGGCTCGGCCATCCAGGCAGTGCTGCCGGGACTG[A>AGCTC]GCTCGGTGCTCCCTGCAGGATGATCTGTCTGCTGTGCGTCCGGACCGCGTCCTCTGTGGA-3'